The following is an entry in ClinVar:

NM_080732.4(EGLN2):c.734G>A (p.Gly245Asp)

Genes: EGLN2 (egl-9 family hypoxia inducible factor 2; plus strand), RAB4B-EGLN2 (RAB4B-EGLN2 readthrough (NMD candidate); plus strand). Cytogenetic location: 19q13.2.
Variant type: single nucleotide variant.
Coding change: c.734G>A on transcript NM_080732.4 (MANE Select); coding-DNA position 734, G replaced by A.
Protein change: p.Gly245Asp; replaces glycine 245 with aspartic acid.
Molecular consequence: missense variant. On other transcripts: non-coding transcript variant (1).
Genome position (GRCh38, 1-based): chr19:40,801,306, G>A. VCF-style: chr19-40801306-G-A. GRCh37 (hg19) VCF-style: chr19-41307211-G-A.
Other names: c.734G>A, p.Gly245Asp (NM_053046.4); short protein forms G245D.
Identifiers: ClinVar variation 3274836 (VCV003274836.1).

ClinVar aggregate classification (germline): Uncertain significance (1 of 4 stars; one submission).

gnomAD v4.1: 1 of 1,613,038 alleles (0.000062%); highest among the groups gnomAD compares: Non-Finnish European, 0.000085%; no homozygotes.

Submission:

Ambry Genetics
Classification: Uncertain significance. Last evaluated: 2024-06-21. Review status: criteria provided, single submitter. Criteria: Ambry Variant Classification Scheme 2023. Collection method: clinical testing. Allele origin: germline.
Comment: The p.G245D variant (also known as c.734G>A), located in coding exon 1 of the EGLN2 gene, results from a G to A substitution at nucleotide position 734. The glycine at codon 245 is replaced by aspartic acid, an amino acid with similar properties. This amino acid position is conserved. In addition, this alteration is predicted to be deleterious by in silico analysis. Based on the available evidence, the clinical significance of this variant remains unclear.